The following is an entry in ClinVar:

NM_000222.3(KIT):c.1499C>G (p.Thr500Ser)

Gene: KIT (KIT proto-oncogene, receptor tyrosine kinase; plus strand). Cytogenetic location: 4q12.
Variant type: single nucleotide variant.
Coding change: c.1499C>G on transcript NM_000222.3 (MANE Select); coding-DNA position 1499, C replaced by G.
Protein change: p.Thr500Ser; replaces threonine 500 with serine.
Molecular consequence: missense variant.
Genome position (GRCh38, 1-based): chr4:54,726,009, C>G. VCF-style: chr4-54726009-C-G. GRCh37 (hg19) VCF-style: chr4-55592175-C-G.
Other names: c.1502C>G, p.Thr501Ser (NM_001385288.1, NM_001385290.1, NM_001385292.1 and 1 more transcripts); c.1499C>G, p.Thr500Ser (NM_001093772.2, NM_001385285.1, NM_001385286.1); short protein forms T500S, T501S.
Identifiers: ClinVar variation 1063170 (VCV001063170.11), dbSNP rs200127012, ClinGen allele CA356906578.

ClinVar aggregate classification (germline): Conflicting classifications of pathogenicity. Review status: criteria provided, conflicting classifications (1 of 4 stars). 2 submissions from 2 submitters: Uncertain significance (1); Likely benign (1). Last evaluated 2024-03-27.

Conditions:
Hereditary cancer-predisposing syndrome. Also called: Tumor predisposition; Neoplastic Syndromes, Hereditary; Hereditary neoplastic syndrome; Hereditary Cancer Syndrome. Identifiers: Orphanet 140162, MedGen C0027672, MeSH D009386, MONDO:0015356.
Gastrointestinal stromal tumor. Also called: Gastrointestinal stromal tumor, somatic; Gastrointestinal stroma tumor. Identifiers: Orphanet 44890, MedGen C0238198, MeSH D046152, MONDO:0011719, OMIM 606764, HP:0100723.

Submissions (2):

Labcorp Genetics (formerly Invitae), Labcorp
Classification: Uncertain significance for Gastrointestinal stromal tumor. Last evaluated: 2024-03-27. Review status: criteria provided, single submitter. Criteria: Invitae Variant Classification Sherloc (09022015). Collection method: clinical testing. Allele origin: germline.
Comment: This sequence change replaces threonine, which is neutral and polar, with serine, which is neutral and polar, at codon 500 of the KIT protein (p.Thr500Ser). This variant is not present in population databases (gnomAD no frequency). This variant has not been reported in the literature in individuals affected with KIT-related conditions. ClinVar contains an entry for this variant (Variation ID: 1063170). Algorithms developed to predict the effect of missense changes on protein structure and function output the following: SIFT: "Not Available"; PolyPhen-2: "Benign"; Align-GVGD: "Not Available". The serine amino acid residue is found in multiple mammalian species, which suggests that this missense change does not adversely affect protein function. In summary, the available evidence is currently insufficient to determine the role of this variant in disease. Therefore, it has been classified as a Variant of Uncertain Significance.

Ambry Genetics
Classification: Likely benign for Hereditary cancer-predisposing syndrome. Last evaluated: 2020-11-18. Review status: criteria provided, single submitter. Criteria: Ambry Variant Classification Scheme 2023. Collection method: clinical testing. Allele origin: germline.